The following is an entry in ClinVar:

NM_006231.4(POLE):c.2865-4T>C

Gene: POLE (DNA polymerase epsilon, catalytic subunit; minus strand). Cytogenetic location: 12q24.33.
Variant type: single nucleotide variant.
Coding change: c.2865-4T>C on transcript NM_006231.4 (MANE Select); 4 bases into the intron before coding-DNA position 2865, T replaced by C.
Molecular consequence: intron variant.
Genome position (GRCh38, 1-based): chr12:132,661,168, A>G on the plus strand (T>C on the coding strand, the complement: POLE is on the minus strand). VCF-style: chr12-132661168-A-G. GRCh37 (hg19) VCF-style: chr12-133237754-A-G.
Identifiers: ClinVar variation 405769 (VCV000405769.19), dbSNP rs1060500840, ClinGen allele CA16613597.

ClinVar aggregate classification (germline): Likely benign. Review status: criteria provided, multiple submitters, no conflicts (2 of 4 stars). 3 submissions from 3 submitters: Likely benign (2). 1 of the submissions does not count toward it. Last evaluated 2025-11-23.

Conditions:
POLE-related disorder. Also called: POLE-related disorders; POLE-related condition.
Hereditary cancer-predisposing syndrome. Also called: Hereditary Cancer Syndrome; Hereditary neoplastic syndrome; Neoplastic Syndromes, Hereditary; Tumor predisposition. Identifiers: Orphanet 140162, MedGen C0027672, MeSH D009386, MONDO:0015356.

Allele frequency attached by ClinVar (database versions not stated): TOPMed below 0.00001; gnomAD 0.00001.
gnomAD v4.1: 10 of 272,178 alleles (0.0037%); highest among the groups gnomAD compares: Non-Finnish European, 0.0054%; no homozygotes.

Submissions (3):

Labcorp Genetics (formerly Invitae), Labcorp
Classification: Likely benign. Last evaluated: 2025-11-23. Review status: criteria provided, single submitter. Criteria: Invitae Variant Classification Sherloc (09022015). Collection method: clinical testing. Allele origin: germline.

Ambry Genetics
Classification: Likely benign for Hereditary cancer-predisposing syndrome. Last evaluated: 2024-12-04. Review status: criteria provided, single submitter. Criteria: Ambry Variant Classification Scheme 2023. Collection method: clinical testing. Allele origin: germline.

PreventionGenetics, part of Exact Sciences
Classification: Likely benign for POLE-related condition. Last evaluated: 2019-06-13. Review status: no assertion criteria provided. Collection method: clinical testing. Allele origin: germline. Not counted in ClinVar's aggregate classification.
Comment: This variant is classified as likely benign based on ACMG/AMP sequence variant interpretation guidelines (Richards et al. 2015 PMID: 25741868, with internal and published modifications).